The following is an entry in ClinVar:

NM_005797.4(MPZL2):c.226-2A>T

Gene: MPZL2 (myelin protein zero like 2; minus strand). Cytogenetic location: 11q23.3.
Variant type: single nucleotide variant.
Coding change: c.226-2A>T on transcript NM_005797.4 (MANE Select); the canonical splice acceptor site of the intron before coding-DNA position 226, A replaced by T.
Molecular consequence: splice acceptor variant.
Genome position (GRCh38, 1-based): chr11:118,262,650, T>A on the plus strand (A>T on the coding strand, the complement: MPZL2 is on the minus strand). VCF-style: chr11-118262650-T-A. GRCh37 (hg19) VCF-style: chr11-118133365-T-A.
Other names: c.226-2A>T (NM_005797.3, NM_144765.3).
Identifiers: ClinVar variation 1691784 (VCV001691784.7), dbSNP rs746414669, ClinGen allele CA6301417.
Genomic context (GRCh38, chr11:118,262,650, plus strand): 5'-ACCCGGTCCTTAAACCGCCCACTCATGGGTTGGAAGGGATCTATGTGGTAGTAGAATACC[T>A]AGAGAGGGGAAATGGCAAAAGGTCTTCTTACTCAGCACCCAGGCAAGGAGGCCAAGATGG-3'

ClinVar aggregate classification (germline): Pathogenic/Likely pathogenic. Review status: criteria provided, multiple submitters, no conflicts (2 of 4 stars). 4 submissions from 4 submitters: Pathogenic (1); Likely pathogenic (3). Last evaluated 2026-09-24.

Conditions:
Inborn genetic diseases. Identifiers: MedGen C0950123, MeSH D030342.
MPZL2-related disorder. Also called: MPZL2-related condition.

Allele frequency attached by ClinVar (database versions not stated): gnomAD 0.00009 and 0.00010; TOPMed 0.00016.
gnomAD v4.1: 74 of 1,613,036 alleles (0.0046%); highest among the groups gnomAD compares: Admixed American, 0.12%; no homozygotes.

Submissions (4):

PreventionGenetics, part of Exact Sciences
Classification: Likely pathogenic for MPZL2-related condition. Last evaluated: 2026-09-24. Review status: criteria provided, single submitter. Criteria: ACMG Guidelines, 2015. Collection method: clinical testing. Allele origin: germline.
Comment: The MPZL2 c.226-2A>T variant is predicted to disrupt the AG splice acceptor site and interfere with normal splicing. This variant has been reported in an individual with hearing loss, although a second potentially causative variant was not identified (Lo et al. 2024. PubMed ID: 38197511). At PreventionGenetics this variant has been reported in the homozygous state in five unrelated individuals with hearing loss (internal data). This variant is reported in 0.11% of alleles in individuals of Latino descent in gnomAD. Variants affecting MPZL2 acceptor splice sites are expected to be pathogenic. This variant is interpreted as likely pathogenic.

GeneDx
Classification: Pathogenic. Last evaluated: 2025-06-24. Review status: criteria provided, single submitter. Criteria: GeneDx Variant Classification Process June 2021. Collection method: clinical testing. Allele origin: germline. Affected: yes.
Comment: Identified in a patient with bilateral mid-frequency sensorineural hearing loss in published literature (PMID: 38197511); Canonical splice site variant predicted to result in a null allele in a gene for which loss of function is a known mechanism of disease; This variant is associated with the following publications: (PMID: 38197511)

Ambry Genetics
Classification: Likely pathogenic for Inborn genetic diseases. Last evaluated: 2025-04-11. Review status: criteria provided, single submitter. Criteria: Ambry Variant Classification Scheme 2023. Collection method: clinical testing. Allele origin: germline.
Comment: The c.226-2A>T intronic variant results from a A to T substitution two nucleotides before coding exon 3 of the MPZL2 gene. Alterations that disrupt the canonical splice site are expected to cause aberrant splicing, resulting in an abnormal protein or a transcript that is subject to nonsense-mediated mRNA decay. Based on data from gnomAD, the T allele has an overall frequency of 0.015% (38/248850) total alleles studied. The highest observed frequency was 0.11% (38/34476) of Latino alleles. This nucleotide position is highly conserved in available vertebrate species. In silico splice site analysis predicts that this alteration will weaken the native splice acceptor site and will result in the creation or strengthening of a novel splice acceptor site. Based on the available evidence, this alteration is classified as likely pathogenic.

Blueprint Genetics
Classification: Likely pathogenic for MPZL2-related disorders. Last evaluated: 2022-11-30. Review status: criteria provided, single submitter. Criteria: ACMG Guidelines, 2015. Collection method: clinical testing. Allele origin: germline. Affected: yes. Observed: 3 variant alleles.

Literature cited by the submitters: PubMed 38197511 (cited by Ambry Genetics).